The following is an entry in ClinVar:

NM_153603.4(COG7):c.319-12C>T

Gene: COG7 (component of oligomeric golgi complex 7; minus strand). Cytogenetic location: 16p12.2.
Variant type: single nucleotide variant.
Coding change: c.319-12C>T on transcript NM_153603.4 (MANE Select); 12 bases into the intron before coding-DNA position 319, C replaced by T.
Molecular consequence: intron variant.
Genome position (GRCh38, 1-based): chr16:23,445,176, G>A on the plus strand (C>T on the coding strand, the complement: COG7 is on the minus strand). VCF-style: chr16-23445176-G-A. GRCh37 (hg19) VCF-style: chr16-23456497-G-A.
Identifiers: ClinVar variation 518138 (VCV000518138.12), dbSNP rs201965984, ClinGen allele CA7961335.

ClinVar aggregate classification (germline): Conflicting classifications of pathogenicity. Review status: criteria provided, conflicting classifications (1 of 4 stars). 3 submissions from 3 submitters: Uncertain significance (1); Benign (1); Likely benign (1). Last evaluated 2026-02-02.

Conditions:
COG7 congenital disorder of glycosylation (CDG2E). Also called: CONGENITAL DISORDER OF GLYCOSYLATION, TYPE IIe; CDG IIe. Identifiers: Orphanet 79333, MedGen C2931010, MONDO:0012118, OMIM 608779.

Allele frequency attached by ClinVar (database versions not stated): gnomAD exomes 0.00023 and 0.00038; ExAC 0.00034; gnomAD 0.00077; TOPMed 0.00088; ESP Exome Variant Server 0.00092.
gnomAD v4.1: 469 of 1,587,734 alleles (0.03%); highest among the groups gnomAD compares: African/African-American, 0.22%; 6 homozygotes.

Submissions (3):

Labcorp Genetics (formerly Invitae), Labcorp
Classification: Benign for COG7 congenital disorder of glycosylation. Last evaluated: 2026-02-02. Review status: criteria provided, single submitter. Criteria: Invitae Variant Classification Sherloc (09022015). Collection method: clinical testing. Allele origin: germline.

Illumina Laboratory Services, Illumina
Classification: Uncertain significance for COG7 congenital disorder of glycosylation. Last evaluated: 2018-01-13. Review status: criteria provided, single submitter. Criteria: ICSL Variant Classification Criteria 13 December 2019. Collection method: clinical testing. Allele origin: germline.

GeneDx
Classification: Likely benign. Last evaluated: 2017-07-05. Review status: criteria provided, single submitter. Criteria: GeneDx Variant Classification (06012015). Collection method: clinical testing. Allele origin: germline. Affected: yes.
Comment: This variant is considered likely benign or benign based on one or more of the following criteria: it is a conservative change, it occurs at a poorly conserved position in the protein, it is predicted to be benign by multiple in silico algorithms, and/or has population frequency not consistent with disease.